The following is an entry in ClinVar:

ClinVar aggregate classification (germline): Uncertain significance (1 of 4 stars; one submission).

gnomAD v4.1: 1 of 1,614,114 alleles (0.000062%); highest among the groups gnomAD compares: East Asian, 0.0022%; no homozygotes.

Submission:

Labcorp Genetics (formerly Invitae), Labcorp
Classification: Uncertain significance. Last evaluated: 2025-01-27. Review status: criteria provided, single submitter. Criteria: Invitae Variant Classification Sherloc (09022015). Collection method: clinical testing. Allele origin: germline.
Comment: This sequence change replaces proline, which is neutral and non-polar, with serine, which is neutral and polar, at codon 841 of the FLNB protein (p.Pro841Ser). This variant is not present in population databases (gnomAD no frequency). This variant has not been reported in the literature in individuals affected with FLNB-related conditions. ClinVar contains an entry for this variant (Variation ID: 2844733). Invitae Evidence Modeling of protein sequence and biophysical properties (such as structural, functional, and spatial information, amino acid conservation, physicochemical variation, residue mobility, and thermodynamic stability) indicates that this missense variant is not expected to disrupt FLNB protein function with a negative predictive value of 95%. In summary, the available evidence is currently insufficient to determine the role of this variant in disease. Therefore, it has been classified as a Variant of Uncertain Significance.

NM_001457.4(FLNB):c.2521C>T (p.Pro841Ser)

Genes: FLNB (filamin B; plus strand), LOC129936935 (ATAC-STARR-seq lymphoblastoid active region 19999; plus strand). Cytogenetic location: 3p14.3.
Variant type: single nucleotide variant.
Coding change: c.2521C>T on transcript NM_001457.4 (MANE Select); coding-DNA position 2521, C replaced by T.
Protein change: p.Pro841Ser; replaces proline 841 with serine.
Molecular consequence: missense variant.
Genome position (GRCh38, 1-based): chr3:58,111,827, C>T. VCF-style: chr3-58111827-C-T. GRCh37 (hg19) VCF-style: chr3-58097554-C-T.
Other names: c.2521C>T, p.Pro841Ser (NM_001164317.2, NM_001164318.2, NM_001164319.2); short protein forms P841S.
Identifiers: ClinVar variation 2844733 (VCV002844733.3), dbSNP rs2471091647, ClinGen allele CA353345604.